The following is an entry in ClinVar:

ClinVar aggregate classification (germline): Uncertain significance (1 of 4 stars; one submission).

Conditions:
Angelman syndrome (AS). Also called: HAPPY PUPPET SYNDROME. Identifiers: Orphanet 72, MedGen C0162635, MONDO:0007113, OMIM 105830. Disease mechanism: loss of function. Inheritance: imprinting disorder, AS is caused by disruption of maternally imprinted UBE3A located within the 15q11.2-q13 Angelman syndrome/Prader-Willi syndrome (AS/PWS) region..

Submission:

Labcorp Genetics (formerly Invitae), Labcorp
Classification: Uncertain significance for Angelman syndrome. Last evaluated: 2025-11-05. Review status: criteria provided, single submitter. Criteria: Invitae Variant Classification Sherloc (09022015). Collection method: clinical testing. Allele origin: germline.
Comment: This sequence change replaces serine, which is neutral and polar, with phenylalanine, which is neutral and non-polar, at codon 65 of the UBE3A protein (p.Ser65Phe). This variant is not present in population databases (gnomAD no frequency). This variant has not been reported in the literature in individuals affected with UBE3A-related conditions. Invitae Evidence Modeling of protein sequence and biophysical properties (such as structural, functional, and spatial information, amino acid conservation, physicochemical variation, residue mobility, and thermodynamic stability) indicates that this missense variant is expected to disrupt UBE3A protein function with a positive predictive value of 95%. In summary, the available evidence is currently insufficient to determine the role of this variant in disease. Therefore, it has been classified as a Variant of Uncertain Significance.

NM_130839.5(UBE3A):c.254C>T (p.Ser85Phe)

Genes: SNHG14 (small nucleolar RNA host gene 14; plus strand), UBE3A (ubiquitin protein ligase E3A; minus strand). Cytogenetic location: 15q11.2.
Variant type: single nucleotide variant.
Coding change: c.254C>T on transcript NM_130839.5 (MANE Select); coding-DNA position 254, C replaced by T.
Protein change: p.Ser85Phe; replaces serine 85 with phenylalanine.
Molecular consequence: missense variant. On other transcripts: non-coding transcript variant (1).
Genome position (GRCh38, 1-based): chr15:25,375,572, G>A on the plus strand (C>T on the coding strand, the complement: UBE3A is on the minus strand). VCF-style: chr15-25375572-G-A. GRCh37 (hg19) VCF-style: chr15-25620719-G-A.
Other names: c.263C>T, p.Ser88Phe (NM_000462.5); c.254C>T, p.Ser85Phe (NM_001354505.1, NM_001354538.2, NM_001354545.2 and 1 more transcripts); c.194C>T, p.Ser65Phe (NM_001354506.2, NM_001354507.2, NM_001354508.2 and 18 more transcripts); c.77C>T, p.Ser26Phe (NM_001354546.2); short protein forms S26F, S65F, S85F, S88F.
Identifiers: ClinVar variation 4802382 (VCV004802382.1).
Genomic context (GRCh38, chr15:25,375,572, plus strand): 5'-CAGGAGTTGTTGGGGGCACCTTTCGAGTTCTCAAGGTAAGCTGAGCTTGCTCCTTTCTTG[G>A]AGGGATGAGGATCACAGAGTTTTGCATTAATCTTATAAAGCTCGAGGGCTTTAATAGCTG-3'
Protein context (NP_570854.1, residues 75-95): INAKLCDPHP[Ser85Phe]KKGASSAYLE